The following is an entry in ClinVar:

NM_000256.3(MYBPC3):c.1624+3G>A

Gene: MYBPC3 (myosin binding protein C3; minus strand). Cytogenetic location: 11p11.2.
Variant type: single nucleotide variant.
Coding change: c.1624+3G>A on transcript NM_000256.3 (MANE Select); 3 bases into the intron after coding-DNA position 1624, G replaced by A.
Molecular consequence: intron variant.
Genome position (GRCh38, 1-based): chr11:47,342,575, C>T on the plus strand (G>A on the coding strand, the complement: MYBPC3 is on the minus strand). VCF-style: chr11-47342575-C-T. GRCh37 (hg19) VCF-style: chr11-47364126-C-T.
Identifiers: ClinVar variation 968792 (VCV000968792.8), dbSNP rs730880690, ClinGen allele CA1139661928.

ClinVar aggregate classification (germline): Uncertain significance. Review status: criteria provided, multiple submitters, no conflicts (2 of 4 stars). 2 submissions from 2 submitters: Uncertain significance (2). Last evaluated 2023-08-23.

Conditions:
Hypertrophic cardiomyopathy. Also called: HYPERTROPHIC MYOCARDIOPATHY. Identifiers: Orphanet 217569, MedGen C0007194, MeSH D002312, MONDO:0005045, HP:0001639.

Allele frequency attached by ClinVar (database versions not stated): gnomAD exomes below 0.00001.
gnomAD v4.1: 5 of 1,588,216 alleles (0.00031%); highest among the groups gnomAD compares: Non-Finnish European, 0.00026%; no homozygotes.

Submissions (2):

All of Us Research Program, National Institutes of Health
Classification: Uncertain significance for Hypertrophic cardiomyopathy. Last evaluated: 2023-08-23. Review status: criteria provided, single submitter. Criteria: ACMG Guidelines, 2015. Collection method: clinical testing. Allele origin: germline. Inheritance: Autosomal dominant inheritance. Observed: 1 variant allele, 1 heterozygote.
Comment: This variant causes a G to A nucleotide substitution at the +3 position of intron 17 of the MYBPC3 gene. To our knowledge, functional studies have not been reported for this variant. This variant has not been reported in individuals affected with MYBPC3-related disorders in the literature. This variant has not been identified in the general population by the Genome Aggregation Database (gnomAD). The available evidence is insufficient to determine the role of this variant in disease conclusively. Therefore, this variant is classified as a Variant of Uncertain Significance.

This study involves interpretation of variants in research participants for the purpose of population health screening. Participant phenotype was not available at the time of variant classification. Additional details can be found in publication PMID: 35346344, PMCID: PMC8962531

Labcorp Genetics (formerly Invitae), Labcorp
Classification: Uncertain significance for Hypertrophic cardiomyopathy. Last evaluated: 2019-10-04. Review status: criteria provided, single submitter. Criteria: Invitae Variant Classification Sherloc (09022015). Collection method: clinical testing. Allele origin: germline.
Comment: This sequence change falls in intron 17 of the MYBPC3 gene. It does not directly change the encoded amino acid sequence of the MYBPC3 protein, but it affects a nucleotide within the consensus splice site of the intron. This variant is not present in population databases (ExAC no frequency). This variant has not been reported in the literature in individuals with MYBPC3-related conditions. Nucleotide substitutions within the consensus splice site are a relatively common cause of aberrant splicing (PMID: 17576681, 9536098). Algorithms developed to predict the effect of sequence changes on RNA splicing suggest that this variant is not likely to affect RNA splicing, but this prediction has not been confirmed by published transcriptional studies. In summary, the available evidence is currently insufficient to determine the role of this variant in disease. Therefore, it has been classified as a Variant of Uncertain Significance.

Literature cited by the submitters: PubMed 17576681 (cited by Labcorp Genetics (formerly Invitae), Labcorp); PubMed 9536098 (cited by Labcorp Genetics (formerly Invitae), Labcorp).